The following is an entry in ClinVar:

NM_000038.6(APC):c.447C>A (p.Asp149Glu)

Gene: APC (APC regulator of Wnt signaling pathway; plus strand). Cytogenetic location: 5q22.2.
Variant type: single nucleotide variant.
Coding change: c.447C>A on transcript NM_000038.6 (MANE Select); coding-DNA position 447, C replaced by A.
Protein change: p.Asp149Glu; replaces aspartic acid 149 with glutamic acid.
Molecular consequence: missense variant. On other transcripts: 5 prime UTR variant (1).
Genome position (GRCh38, 1-based): chr5:112,775,653, C>A. VCF-style: chr5-112775653-C-A. GRCh37 (hg19) VCF-style: chr5-112111350-C-A.
Other names: c.447C>A, p.Asp149Glu (NM_001127510.3, NM_001354895.2, NM_001354896.2 and 2 more transcripts); c.477C>A, p.Asp159Glu (NM_001127511.3, NM_001354897.2, NM_001354902.2); c.372C>A, p.Asp124Glu (NM_001354898.2, NM_001354904.2); c.270C>A, p.Asp90Glu (NM_001354900.2, NM_001354901.2, NM_001354905.2); c.-589C>A (NM_001354906.2); short protein forms D149E, D159E, D124E, D90E.
Identifiers: ClinVar variation 411430 (VCV000411430.24), dbSNP rs750821213, ClinGen allele CA039179.
Genomic context (GRCh38, chr5:112,775,653, plus strand): 5'-GTTTAAACGTACCTTTTTTTAAAAAAAAAAAAATAGGTCATTGCTTCTTGCTGATCTTGA[C>A]AAAGAAGAAAAGGAAAAAGACTGGTATTACGCTCAACTTCAGAATCTCACTAAAAGAATA-3'
Protein context (NP_000029.2, residues 139-159): KERSLLLADL[Asp149Glu]KEEKEKDWYY

ClinVar aggregate classification (germline): Conflicting classifications of pathogenicity. Review status: criteria provided, conflicting classifications (1 of 4 stars). 7 submissions from 7 submitters: Uncertain significance (6); Benign (1). Last evaluated 2026-05-10.

Conditions:
Hereditary cancer-predisposing syndrome. Also called: Neoplastic Syndromes, Hereditary; Hereditary Cancer Syndrome; Hereditary neoplastic syndrome; Tumor predisposition. Identifiers: Orphanet 140162, MedGen C0027672, MeSH D009386, MONDO:0015356.
Familial adenomatous polyposis 1 (FAP1). Also called: FAMILIAL ADENOMATOUS POLYPOSIS 1, ATTENUATED; POLYPOSIS, ADENOMATOUS INTESTINAL. Identifiers: MedGen C2713442, MONDO:0021056, OMIM 175100. Disease mechanism: loss of function.
Gastric adenocarcinoma and proximal polyposis of the stomach (GAPPS). Also called: POLYPOSIS, GASTRIC; Gastric Adenocarcinoma and Proximal Polyposis of the Stomach (GAPPS); Polyposis, gastric, Dos Santos and de Magalhaes 1980. Identifiers: Orphanet 314022, MedGen C4749917, MONDO:0017790, OMIM 619182.
Desmoid disease, hereditary (DESMD). Also called: FIBROMATOSIS, FAMILIAL INFILTRATIVE. Identifiers: Orphanet 873, MedGen C1851124, OMIM 135290. Disease mechanism: loss of function.
Hepatocellular carcinoma (HCC). Also called: Primary carcinoma of liver; HEPATOMA; LIVER CELL CARCINOMA. Identifiers: Orphanet 88673, MedGen C2239176, MONDO:0007256, OMIM 114550, HP:0001402.
Gastric cancer. Also called: Malignant tumor of stomach; Stomach cancer. Identifiers: MedGen C0024623, MeSH D013274, MONDO:0001056, OMIM 613659, HP:0012126.
Colorectal cancer. Also called: Malignant Colorectal Neoplasm; Colorectal cancer, somatic. Identifiers: MedGen C0346629, MONDO:0005575, OMIM 114500.
Classic or attenuated familial adenomatous polyposis. Identifiers: MedGen CN372698, MONDO:0021057.

Allele frequency attached by ClinVar (database versions not stated): gnomAD exomes below 0.00001 and 0.00001; gnomAD 0.00001; ExAC 0.00002.
gnomAD v4.1: 3 of 1,603,214 alleles (0.00019%); highest among the groups gnomAD compares: Admixed American, 0.0051%; no homozygotes.

Submissions (7):

Ambry Genetics
Classification: Benign for Hereditary cancer-predisposing syndrome. Last evaluated: 2026-05-10. Review status: criteria provided, single submitter. Criteria: Ambry Variant Classification Scheme 2023. Collection method: clinical testing. Allele origin: germline.

Labcorp Genetics (formerly Invitae), Labcorp
Classification: Uncertain significance for Familial adenomatous polyposis 1. Last evaluated: 2026-02-02. Review status: criteria provided, single submitter. Criteria: Invitae Variant Classification Sherloc (09022015). Collection method: clinical testing. Allele origin: germline.
Comment: This sequence change replaces aspartic acid, which is acidic and polar, with glutamic acid, which is acidic and polar, at codon 149 of the APC protein (p.Asp149Glu). The frequency data for this variant in the population databases is considered unreliable, as metrics indicate poor data quality at this position in the gnomAD database. This variant has not been reported in the literature in individuals affected with APC-related conditions. ClinVar contains an entry for this variant (Variation ID: 411430). Invitae Evidence Modeling of protein sequence and biophysical properties (such as structural, functional, and spatial information, amino acid conservation, physicochemical variation, residue mobility, and thermodynamic stability) indicates that this missense variant is not expected to disrupt APC protein function with a negative predictive value of 95%. In summary, the available evidence is currently insufficient to determine the role of this variant in disease. Therefore, it has been classified as a Variant of Uncertain Significance.

Fulgent Genetics
Classification: Uncertain significance for Colorectal cancer; Hepatocellular carcinoma; Desmoid disease, hereditary; Familial adenomatous polyposis 1; Gastric cancer; Gastric adenocarcinoma and proximal polyposis of the stomach. Last evaluated: 2024-03-13. Review status: criteria provided, single submitter. Criteria: ACMG Guidelines, 2015. Collection method: clinical testing. Allele origin: germline.

Baylor Genetics
Classification: Uncertain significance for Familial adenomatous polyposis 1. Last evaluated: 2024-03-08. Review status: criteria provided, single submitter. Criteria: ACMG Guidelines, 2015. Collection method: clinical testing. Allele origin: unknown.

Color Diagnostics, LLC DBA Color Health
Classification: Uncertain significance for Hereditary cancer-predisposing syndrome. Last evaluated: 2024-03-06. Review status: criteria provided, single submitter. Criteria: ACMG Guidelines, 2015. Collection method: clinical testing. Allele origin: germline.
Comment: This missense variant replaces aspartic acid with glutamic acid at codon 149 of the APC protein. Computational prediction suggests that this variant may not impact protein structure and function (internally defined REVEL score threshold <= 0.5, PMID: 27666373). To our knowledge, functional studies have not been reported for this variant. This variant has not been reported in individuals affected with APC-related disorders in the literature. This variant has been identified in 3/277578 chromosomes in the general population by the Genome Aggregation Database (gnomAD). The available evidence is insufficient to determine the role of this variant in disease conclusively. Therefore, this variant is classified as a Variant of Uncertain Significance.

All of Us Research Program, National Institutes of Health
Classification: Uncertain significance for Classic or attenuated familial adenomatous polyposis. Last evaluated: 2024-01-11. Review status: criteria provided, single submitter. Criteria: ACMG Guidelines, 2015. Collection method: clinical testing. Allele origin: germline. Inheritance: Autosomal dominant inheritance. Observed: 4 variant alleles, 4 heterozygotes.
Comment: This missense variant replaces aspartic acid with glutamic acid at codon 149 of the APC protein. Computational prediction suggests that this variant may not impact protein structure and function (internally defined REVEL score threshold <= 0.5, PMID: 27666373). Splice site prediction tools suggest that this variant may not impact RNA splicing. To our knowledge, functional studies have not been performed for this variant. This variant has not been reported in individuals affected with hereditary cancer in the literature. This variant has been identified in 3/277578 chromosomes in the general population by the Genome Aggregation Database (gnomAD). The available evidence is insufficient to determine the role of this variant in disease conclusively. Therefore, this variant is classified as a Variant of Uncertain Significance.

This study involves interpretation of variants in research participants for the purpose of population health screening. Participant phenotype was not available at the time of variant classification. Additional details can be found in publication PMID: 35346344, PMCID: PMC8962531

Division of Medical Genetics, University of Washington
Classification: Uncertain significance for Familial adenomatous polyposis 1. Last evaluated: 2020-01-22. Review status: criteria provided, single submitter. Criteria: ACMG Guidelines, 2015. Collection method: clinical testing. Allele origin: germline. Affected: no. Study: CSER_CHARM.
Comment: To our knowledge, this sequence variant has not been previously reported in the literature. This variant has an overall allele frequency of 0.00001 in the Broad Institute gnomAD Browser. In silico analyses indicate that this variant does not alter protein structure/function. Thus, it is unknown at this time whether this variant increases cancer risk. PM2; BP4